The following is an entry in ClinVar:

ClinVar aggregate classification (germline): Benign. Review status: criteria provided, multiple submitters, no conflicts (2 of 4 stars). 8 submissions from 8 submitters: Benign (6). 2 of the submissions do not count toward it. Last evaluated 2026-02-03.

Conditions:
3-methylglutaconic aciduria type 1 (MGCA1). Identifiers: Orphanet 67046, MedGen C0342727, MONDO:0009610, OMIM 250950.

Allele frequency attached by ClinVar (database versions not stated): gnomAD exomes 0.08394 and 0.09826; ExAC 0.08661; 1000 Genomes Project 0.08946; 1000 Genomes Project 30x 0.09229; gnomAD 0.11429 and 0.11827; TOPMed 0.11928; ESP Exome Variant Server 0.13086.
gnomAD v4.1: 161,220 of 1,613,346 alleles (10%); highest among the groups gnomAD compares: African/African-American, 18%; 8,792 homozygotes.

Submissions (19):

Labcorp Genetics (formerly Invitae), Labcorp
Classification: Benign for 3-methylglutaconic aciduria type 1. Last evaluated: 2026-02-03. Review status: criteria provided, single submitter. Criteria: Invitae Variant Classification Sherloc (09022015). Collection method: clinical testing. Allele origin: germline.

Blueprint Genetics
Classification: Benign. Last evaluated: 2024-11-27. Review status: criteria provided, single submitter. Criteria: ACMG Guidelines, 2015. Collection method: clinical testing. Allele origin: germline.

Illumina Laboratory Services, Illumina
Classification: Benign for 3-methylglutaconic aciduria type 1. Last evaluated: 2018-01-12. Review status: criteria provided, single submitter. Criteria: ICSL Variant Classification Criteria 13 December 2019. Collection method: clinical testing. Allele origin: germline.
Comment: This variant was observed in the ICSL laboratory as part of a predisposition screen in an ostensibly healthy population. It had not been previously curated by ICSL or reported in the Human Gene Mutation Database (HGMD: prior to June 1st, 2018), and was therefore a candidate for classification through an automated scoring system. Utilizing variant allele frequency, disease prevalence and penetrance estimates, and inheritance mode, an automated score was calculated to assess if this variant is too frequent to cause the disease. Based on the score and internal cut-off values, a variant classified as benign is not then subjected to further curation. The score for this variant resulted in a classification of benign for this disease.

GeneDx
Classification: Benign. Last evaluated: 2015-03-03. Review status: criteria provided, single submitter. Criteria: GeneDx Variant Classification Process June 2021. Collection method: clinical testing. Allele origin: germline. Affected: yes.

Breakthrough Genomics
Classification: Benign. Review status: criteria provided, single submitter. Criteria: ACMG Guidelines, 2015. Collection method: not provided. Allele origin: germline. Inheritance: Autosomal recessive inheritance. Affected: yes.

PreventionGenetics, part of Exact Sciences
Classification: Benign. Review status: criteria provided, single submitter. Criteria: ACMG Guidelines, 2015. Collection method: clinical testing. Allele origin: germline.

Mayo Clinic Laboratories, Mayo Clinic
Classification: Benign. Last evaluated: 2016-02-22. Review status: no assertion criteria provided. Collection method: clinical testing. Allele origin: unknown. Not counted in ClinVar's aggregate classification.

Dr. Peter K. Rogan Lab, Western University
No classification provided (evidence only). Condition: Colorectal cancer. Review status: no classification provided. Collection method: in vitro. Allele origin: not applicable. Functional consequence: retained intron. Not counted in ClinVar's aggregate classification.

Dr. Peter K. Rogan Lab, Western University
No classification provided (evidence only). Condition: Thymoma. Review status: no classification provided. Collection method: in vitro. Allele origin: not applicable. Functional consequence: retained intron. Not counted in ClinVar's aggregate classification.

Dr. Peter K. Rogan Lab, Western University
No classification provided (evidence only). Condition: Thymoma. Review status: no classification provided. Collection method: in vitro. Allele origin: not applicable. Functional consequence: retained intron. Not counted in ClinVar's aggregate classification.

Dr. Peter K. Rogan Lab, Western University
No classification provided (evidence only). Condition: Thymoma. Review status: no classification provided. Collection method: in vitro. Allele origin: not applicable. Functional consequence: skipped exon. Not counted in ClinVar's aggregate classification.

Dr. Peter K. Rogan Lab, Western University
No classification provided (evidence only). Condition: Thymoma. Review status: no classification provided. Collection method: in vitro. Allele origin: not applicable. Functional consequence: skipped exon. Not counted in ClinVar's aggregate classification.

Dr. Peter K. Rogan Lab, Western University
No classification provided (evidence only). Condition: Cholangiocarcinoma. Review status: no classification provided. Collection method: in vitro. Allele origin: not applicable. Functional consequence: skipped exon. Not counted in ClinVar's aggregate classification.

Dr. Peter K. Rogan Lab, Western University
No classification provided (evidence only). Condition: Cholangiocarcinoma. Review status: no classification provided. Collection method: in vitro. Allele origin: not applicable. Functional consequence: retained intron. Not counted in ClinVar's aggregate classification.

Dr. Peter K. Rogan Lab, Western University
No classification provided (evidence only). Condition: Adrenocortical carcinoma, hereditary. Review status: no classification provided. Collection method: in vitro. Allele origin: not applicable. Functional consequence: retained intron. Not counted in ClinVar's aggregate classification.

Dr. Peter K. Rogan Lab, Western University
No classification provided (evidence only). Condition: Uveal melanoma. Review status: no classification provided. Collection method: in vitro. Allele origin: not applicable. Functional consequence: retained intron. Not counted in ClinVar's aggregate classification.

Dr. Peter K. Rogan Lab, Western University
No classification provided (evidence only). Condition: Uveal melanoma. Review status: no classification provided. Collection method: in vitro. Allele origin: not applicable. Functional consequence: retained intron. Not counted in ClinVar's aggregate classification.

Dr. Peter K. Rogan Lab, Western University
No classification provided (evidence only). Condition: Uveal melanoma. Review status: no classification provided. Collection method: in vitro. Allele origin: not applicable. Functional consequence: retained intron. Not counted in ClinVar's aggregate classification.

Genetic Services Laboratory, University of Chicago
Classification: Likely benign for AllHighlyPenetrant. Review status: no assertion criteria provided. Collection method: clinical testing. Allele origin: germline. Inheritance: Autosomal recessive inheritance. Not counted in ClinVar's aggregate classification.
Comment: Likely benign based on allele frequency in 1000 Genomes Project or ESP global frequency and its presence in a patient with a rare or unrelated disease phenotype. NOT Sanger confirmed.

NM_001698.3(AUH):c.483A>C (p.Ile161=)

Gene: AUH (AU RNA binding methylglutaconyl-CoA hydratase; minus strand). Cytogenetic location: 9q22.31.
Variant type: single nucleotide variant.
Coding change: c.483A>C on transcript NM_001698.3 (MANE Select); coding-DNA position 483, A replaced by C.
Protein change: p.Ile161=; no amino-acid change (isoleucine 161 retained).
Molecular consequence: synonymous variant. On other transcripts: intron variant (1).
Genome position (GRCh38, 1-based): chr9:91,325,340, T>G on the plus strand (A>C on the coding strand, the complement: AUH is on the minus strand). VCF-style: chr9-91325340-T-G. GRCh37 (hg19) VCF-style: chr9-94087622-T-G.
Other names: c.156A>C, p.Ile52= (NM_001351431.2, NM_001351432.2, NM_001351433.2); c.419-27264A>C (NM_001306190.2).
Identifiers: ClinVar variation 128520 (VCV000128520.27), dbSNP rs7874056, ClinGen allele CA152025.